The following is an entry in ClinVar:

ClinVar aggregate classification (germline): Uncertain significance (1 of 4 stars; one submission).

Conditions:
3-methylglutaconic aciduria type 1 (MGCA1). Identifiers: Orphanet 67046, MedGen C0342727, MONDO:0009610, OMIM 250950.

Allele frequency attached by ClinVar (database versions not stated): TOPMed below 0.00001.
gnomAD v4.1: 2 of 1,613,248 alleles (0.00012%); highest among the groups gnomAD compares: Non-Finnish European, 0.00017%; no homozygotes.

Submission:

Labcorp Genetics (formerly Invitae), Labcorp
Classification: Uncertain significance for 3-methylglutaconic aciduria type 1. Last evaluated: 2022-08-09. Review status: criteria provided, single submitter. Criteria: Invitae Variant Classification Sherloc (09022015). Collection method: clinical testing. Allele origin: germline.
Comment: This sequence change replaces glycine, which is neutral and non-polar, with valine, which is neutral and non-polar, at codon 140 of the AUH protein (p.Gly140Val). This variant is not present in population databases (gnomAD no frequency). This variant has not been reported in the literature in individuals affected with AUH-related conditions. Algorithms developed to predict the effect of missense changes on protein structure and function (SIFT, PolyPhen-2, Align-GVGD) all suggest that this variant is likely to be disruptive. Algorithms developed to predict the effect of sequence changes on RNA splicing suggest that this variant may disrupt the consensus splice site. In summary, the available evidence is currently insufficient to determine the role of this variant in disease. Therefore, it has been classified as a Variant of Uncertain Significance.

NM_001698.3(AUH):c.419G>T (p.Gly140Val)

Gene: AUH (AU RNA binding methylglutaconyl-CoA hydratase; minus strand). Cytogenetic location: 9q22.31.
Variant type: single nucleotide variant.
Coding change: c.419G>T on transcript NM_001698.3 (MANE Select); coding-DNA position 419, G replaced by T.
Protein change: p.Gly140Val; replaces glycine 140 with valine.
Molecular consequence: missense variant. On other transcripts: intron variant (1).
Genome position (GRCh38, 1-based): chr9:91,325,404, C>A on the plus strand (G>T on the coding strand, the complement: AUH is on the minus strand). VCF-style: chr9-91325404-C-A. GRCh37 (hg19) VCF-style: chr9-94087686-C-A.
Other names: c.92G>T, p.Gly31Val (NM_001351431.2, NM_001351432.2, NM_001351433.2); c.419-27328G>T (NM_001306190.2); short protein forms G140V, G31V.
Identifiers: ClinVar variation 2149870 (VCV002149870.1), dbSNP rs1829899485, ClinGen allele CA373837225.